The following is an entry in ClinVar:

NM_000179.3(MSH6):c.3851_3860del (p.Thr1284fs)

Gene: MSH6 (mutS homolog 6; plus strand). Cytogenetic location: 2p16.3.
Variant type: Deletion.
Coding change: c.3851_3860del on transcript NM_000179.3 (MANE Select); coding-DNA positions 3851 to 3860, 10 bases deleted (CGTTCCTCTA; older notation c.3851_3860delCGTTCCTCTA).
Protein change: p.Thr1284fs; shifts the reading frame from threonine 1284.
Molecular consequence: frameshift variant. On other transcripts: nonsense (1).
Genome position (GRCh38, 1-based): chr2:47,806,501-47,806,510, CGTTCCTCTA deleted; deleting any 10 consecutive bases within chr2:47,806,499-47,806,510 gives the same sequence; the c. name uses the placement nearest the transcript's 3' end. VCF-style (leftmost placement, unchanged base first): chr2-47806498-TTACGTTCCTC-T. GRCh37 (hg19) VCF-style: chr2-48033637-TTACGTTCCTC-T.
Other names: c.3461_3470del, p.Thr1154fs (NM_001281492.2); c.2945_2954del, p.Thr982fs (NM_001281493.2, NM_001281494.2); c.3947_3956delCGTTCCTCTA, p.Thr1316Ilefs (NM_001406795.1); c.3851_3860delCGTTCCTCTA, p.Thr1284Ilefs (NM_001406796.1, NM_001406808.1, NM_001406809.1); c.3554_3563delCGTTCCTCTA, p.Thr1185Ilefs (NM_001406797.1, NM_001406801.1, NM_001406805.1 and 10 more transcripts); c.3677_3686delCGTTCCTCTA, p.Thr1226Ilefs (NM_001406798.1); c.3326_3335delCGTTCCTCTA, p.Thr1109Ilefs (NM_001406799.1, NM_001406806.1, NM_001406807.1); c.3838_3847delCGTTCCTCTA, p.Arg1280Terfs (NM_001406800.1); and 9 more; short protein forms T1154fs, T1284fs, T982fs.
Identifiers: ClinVar variation 1961484 (VCV001961484.6), dbSNP rs2530860606, ClinGen allele CA2580067399.

ClinVar aggregate classification (germline): Pathogenic. Review status: criteria provided, multiple submitters, no conflicts (2 of 4 stars). 2 submissions from 2 submitters: Pathogenic (2). Last evaluated 2023-08-25.

Conditions:
Lynch syndrome 5 (LYNCH5). Also called: Hereditary non-polyposis colorectal cancer, type 5; Colorectal cancer, hereditary nonpolyposis, type 5. Identifiers: Orphanet 144, MedGen C1833477, MONDO:0013710, OMIM 614350. Disease mechanism: loss of function.
Hereditary nonpolyposis colorectal neoplasms. Identifiers: MedGen C0009405, MeSH D003123.

Submissions (2):

Myriad Genetics, Inc.
Classification: Pathogenic for Lynch syndrome 5. Last evaluated: 2023-08-25. Review status: criteria provided, single submitter. Criteria: Myriad Autosomal Dominant, Autosomal Recessive and X-Linked Classification Criteria (2023). Collection method: clinical testing. Allele origin: unknown.
Comment: This variant is considered pathogenic. This variant creates a frameshift predicted to result in premature protein truncation.

Labcorp Genetics (formerly Invitae), Labcorp
Classification: Pathogenic for Hereditary nonpolyposis colorectal neoplasms. Last evaluated: 2022-06-07. Review status: criteria provided, single submitter. Criteria: Invitae Variant Classification Sherloc (09022015). Collection method: clinical testing. Allele origin: germline.
Comment: This variant has not been reported in the literature in individuals affected with MSH6-related conditions. This variant disrupts a region of the MSH6 protein in which other variant(s) (p.Arg1334Serfs*7) have been determined to be pathogenic (Invitae). This suggests that this is a clinically significant region of the protein, and that variants that disrupt it are likely to be disease-causing. For these reasons, this variant has been classified as Pathogenic. This sequence change creates a premature translational stop signal (p.Thr1284Ilefs*40) in the MSH6 gene. While this is not anticipated to result in nonsense mediated decay, it is expected to disrupt the last 77 amino acid(s) of the MSH6 protein. This variant is not present in population databases (gnomAD no frequency).